The following is an entry in ClinVar:

NM_015338.6(ASXL1):c.2842G>A (p.Glu948Lys)

Gene: ASXL1 (ASXL transcriptional regulator 1; plus strand). Cytogenetic location: 20q11.21.
Variant type: single nucleotide variant.
Coding change: c.2842G>A on transcript NM_015338.6 (MANE Select); coding-DNA position 2842, G replaced by A.
Protein change: p.Glu948Lys; replaces glutamic acid 948 with lysine.
Molecular consequence: missense variant.
Genome position (GRCh38, 1-based): chr20:32,435,554, G>A. VCF-style: chr20-32435554-G-A. GRCh37 (hg19) VCF-style: chr20-31023357-G-A.
Other names: c.2659G>A, p.Glu887Lys (NM_001363734.1); short protein forms E887K, E948K.
Identifiers: ClinVar variation 3793730 (VCV003793730.1).

ClinVar aggregate classification (germline): Uncertain significance (1 of 4 stars; one submission).

Conditions:
Inborn genetic diseases. Identifiers: MedGen C0950123, MeSH D030342.

Submission:

Ambry Genetics
Classification: Uncertain significance for Inborn genetic diseases. Last evaluated: 2025-02-22. Review status: criteria provided, single submitter. Criteria: Ambry Variant Classification Scheme 2023. Collection method: clinical testing. Allele origin: germline.
Comment: The p.E948K variant (also known as c.2842G>A), located in coding exon 13 of the ASXL1 gene, results from a G to A substitution at nucleotide position 2842. The glutamic acid at codon 948 is replaced by lysine, an amino acid with similar properties. This amino acid position is conserved. In addition, this alteration is predicted to be tolerated by in silico analysis. Based on the available evidence, the clinical significance of this variant remains unclear.